The following is an entry in ClinVar:

NM_000548.5(TSC2):c.3910A>C (p.Ser1304Arg)

Gene: TSC2 (TSC complex subunit 2; plus strand). Cytogenetic location: 16p13.3.
Variant type: single nucleotide variant.
Coding change: c.3910A>C on transcript NM_000548.5 (MANE Select); coding-DNA position 3910, A replaced by C.
Protein change: p.Ser1304Arg; replaces serine 1304 with arginine.
Molecular consequence: missense variant. On other transcripts: non-coding transcript variant (5).
Genome position (GRCh38, 1-based): chr16:2,083,721, A>C. VCF-style: chr16-2083721-A-C. GRCh37 (hg19) VCF-style: chr16-2133722-A-C.
Other names: c.3709A>C, p.Ser1237Arg (NM_001077183.3); c.3841A>C, p.Ser1281Arg (NM_001114382.3); c.3601A>C, p.Ser1201Arg (NM_001318827.2); c.3565A>C, p.Ser1189Arg (NM_001318829.2); c.3178A>C, p.Ser1060Arg (NM_001318831.2); c.3742A>C, p.Ser1248Arg (NM_001318832.2); c.3712A>C, p.Ser1238Arg (NM_001363528.2); c.3778A>C, p.Ser1260Arg (NM_001370404.1); and 26 more; short protein forms S1037R, S1218R, S1232R, S1233R, S1238R, S1244R, S1281R, S833R.
Identifiers: ClinVar variation 2564694 (VCV002564694.5), dbSNP rs1305173000, ClinGen allele CA394297025.

ClinVar aggregate classification (germline): Uncertain significance. Review status: criteria provided, multiple submitters, no conflicts (2 of 4 stars). 2 submissions from 2 submitters: Uncertain significance (2). Last evaluated 2023-11-29.

Conditions:
Tuberous sclerosis 2 (TSC2). Identifiers: Orphanet 805, MedGen C1860707, MONDO:0013199, OMIM 613254.
Hereditary cancer-predisposing syndrome. Also called: Neoplastic Syndromes, Hereditary; Hereditary Cancer Syndrome; Tumor predisposition; Hereditary neoplastic syndrome. Identifiers: Orphanet 140162, MedGen C0027672, MeSH D009386, MONDO:0015356.

Submissions (2):

Labcorp Genetics (formerly Invitae), Labcorp
Classification: Uncertain significance for Tuberous sclerosis 2. Last evaluated: 2023-11-29. Review status: criteria provided, single submitter. Criteria: Invitae Variant Classification Sherloc (09022015). Collection method: clinical testing. Allele origin: germline.
Comment: This sequence change replaces serine, which is neutral and polar, with arginine, which is basic and polar, at codon 1304 of the TSC2 protein (p.Ser1304Arg). This variant is not present in population databases (gnomAD no frequency). This variant has not been reported in the literature in individuals affected with TSC2-related conditions. ClinVar contains an entry for this variant (Variation ID: 2564694). Advanced modeling of protein sequence and biophysical properties (such as structural, functional, and spatial information, amino acid conservation, physicochemical variation, residue mobility, and thermodynamic stability) performed at Invitae indicates that this missense variant is not expected to disrupt TSC2 protein function with a negative predictive value of 95%. In summary, the available evidence is currently insufficient to determine the role of this variant in disease. Therefore, it has been classified as a Variant of Uncertain Significance.

Ambry Genetics
Classification: Uncertain significance for Hereditary cancer-predisposing syndrome. Last evaluated: 2023-04-18. Review status: criteria provided, single submitter. Criteria: Ambry Variant Classification Scheme 2023. Collection method: clinical testing. Allele origin: germline.
Comment: The p.S1304R variant (also known as c.3910A>C), located in coding exon 32 of the TSC2 gene, results from an A to C substitution at nucleotide position 3910. The serine at codon 1304 is replaced by arginine, an amino acid with dissimilar properties. This amino acid position is conserved. In addition, the in silico prediction for this alteration is inconclusive. Since supporting evidence is limited at this time, the clinical significance of this alteration remains unclear.